The following is an entry in ClinVar:

NM_004656.4(BAP1):c.870C>G (p.Asn290Lys)

Gene: BAP1 (BRCA1 associated deubiquitinase 1; minus strand). Cytogenetic location: 3p21.1.
Variant type: single nucleotide variant.
Coding change: c.870C>G on transcript NM_004656.4 (MANE Select); coding-DNA position 870, C replaced by G.
Protein change: p.Asn290Lys; replaces asparagine 290 with lysine.
Molecular consequence: missense variant.
Genome position (GRCh38, 1-based): chr3:52,405,826, G>C on the plus strand (C>G on the coding strand, the complement: BAP1 is on the minus strand). VCF-style: chr3-52405826-G-C. GRCh37 (hg19) VCF-style: chr3-52439842-G-C.
Other names: short protein forms N290K.
Identifiers: ClinVar variation 1038782 (VCV001038782.5), dbSNP rs1450323802, ClinGen allele CA353106694.

ClinVar aggregate classification (germline): Uncertain significance (1 of 4 stars; one submission).

Conditions:
BAP1-related tumor predisposition syndrome (TPDS1). Also called: BAP1 tumor predisposition syndrome; Tumor susceptibility linked to germline BAP1 mutations; COMMON Syndrome; TUMOR PREDISPOSITION SYNDROME 1. Identifiers: Orphanet 289539, MedGen C3280492, MONDO:0013692, OMIM 614327.

gnomAD v4.1: 1 of 1,614,084 alleles (0.000062%); highest among the groups gnomAD compares: Non-Finnish European, 0.000085%; no homozygotes.

Submission:

Labcorp Genetics (formerly Invitae), Labcorp
Classification: Uncertain significance for BAP1-related tumor predisposition syndrome. Last evaluated: 2024-02-19. Review status: criteria provided, single submitter. Criteria: Invitae Variant Classification Sherloc (09022015). Collection method: clinical testing. Allele origin: germline.
Comment: This sequence change replaces asparagine, which is neutral and polar, with lysine, which is basic and polar, at codon 290 of the BAP1 protein (p.Asn290Lys). This variant is not present in population databases (gnomAD no frequency). This variant has not been reported in the literature in individuals affected with BAP1-related conditions. ClinVar contains an entry for this variant (Variation ID: 1038782). Advanced modeling of protein sequence and biophysical properties (such as structural, functional, and spatial information, amino acid conservation, physicochemical variation, residue mobility, and thermodynamic stability) performed at Invitae indicates that this missense variant is not expected to disrupt BAP1 protein function with a negative predictive value of 80%. In summary, the available evidence is currently insufficient to determine the role of this variant in disease. Therefore, it has been classified as a Variant of Uncertain Significance.